The following is an entry in ClinVar:

ClinVar aggregate classification (germline): Likely pathogenic. Review status: criteria provided, multiple submitters, no conflicts (2 of 4 stars). 2 submissions from 2 submitters: Likely pathogenic (2). Last evaluated 2025-02-27.

Conditions:
Holoprosencephaly 3 (HPE3). Identifiers: Orphanet 2162, MedGen C1840529, MONDO:0007733, OMIM 142945.
Solitary median maxillary central incisor syndrome. Also called: FUSED INCISORS; SINGLE CENTRAL MAXILLARY INCISOR; Single Central Incisor Syndrome; Solitary median maxillary central incisor; SMMCI SYNDROME. Identifiers: MedGen C1840235, MONDO:0007819, OMIM 147250, HP:0006315.

Submissions (2):

Laboratory of Molecular Genetics, CHU Rennes
Classification: Likely pathogenic for Solitary median maxillary central incisor syndrome. Last evaluated: 2025-02-27. Review status: criteria provided, single submitter. Criteria: ACMG Guidelines, 2015. Collection method: clinical testing. Allele origin: maternal. Inheritance: Oligogenic inheritance. Affected: yes.
Comment: The NM_000193.4:c.812T>C, is a missense variant in SHH in the Hint domain (PM1), absent from controls (PM2), predicted pathogenic by prediction tools (PP3).

Illumina Laboratory Services, Illumina
Classification: Likely pathogenic for Holoprosencephaly 3. Last evaluated: 2020-06-26. Review status: criteria provided, single submitter. Criteria: ICSLVariantClassificationCriteria RUGD 01 April 2020. Collection method: clinical testing. Allele origin: unknown.
Comment: The SHH c.812T>C p.(Leu271Pro) missense variant has been identified in individuals with a phenotype consistent with holoprosencephaly (Dubourg et al 2004; Lazaro et al. 2004; Roessler et al. 2009). This variant is not observed in version 2.1.1 of the Genome Aggregation Database. The p.Leu271Pro variant is located SHH-C region of the protein, three dimensional modelling studies and in vitro cell based assays suggest this amino acid substitution may affect the stability of the precursor protein (Traiffort et al. 2004). Based on the collective evidence the c.812T>C p.(Leu271Pro) variant is classified as likely pathogenic for holoprosencephaly spectrum disorder.

NM_000193.4(SHH):c.812T>C (p.Leu271Pro)

Gene: SHH (sonic hedgehog signaling molecule; minus strand). Cytogenetic location: 7q36.3.
Variant type: single nucleotide variant.
Coding change: c.812T>C on transcript NM_000193.4 (MANE Select); coding-DNA position 812, T replaced by C.
Protein change: p.Leu271Pro; replaces leucine 271 with proline.
Molecular consequence: missense variant. On other transcripts: intron variant (1).
Genome position (GRCh38, 1-based): chr7:155,803,477, A>G on the plus strand (T>C on the coding strand, the complement: SHH is on the minus strand). VCF-style: chr7-155803477-A-G. GRCh37 (hg19) VCF-style: chr7-155596171-A-G.
Other names: c.301+2819T>C (NM_001310462.2); short protein forms L271P.
Identifiers: ClinVar variation 3062081 (VCV003062081.2), dbSNP rs2535893958, ClinGen allele CA370146015.